The following is an entry in ClinVar:

NM_001283009.2(RTEL1):c.3443C>T (p.Pro1148Leu)

Genes: RTEL1 (regulator of telomere elongation helicase 1; plus strand), RTEL1-TNFRSF6B (RTEL1-TNFRSF6B readthrough (NMD candidate); plus strand). Cytogenetic location: 20q13.33.
Variant type: single nucleotide variant.
Coding change: c.3443C>T on transcript NM_001283009.2 (MANE Select); coding-DNA position 3443, C replaced by T.
Protein change: p.Pro1148Leu; replaces proline 1148 with leucine.
Molecular consequence: missense variant. On other transcripts: non-coding transcript variant (1).
Genome position (GRCh38, 1-based): chr20:63,695,165, C>T. VCF-style: chr20-63695165-C-T. GRCh37 (hg19) VCF-style: chr20-62326518-C-T.
Other names: c.2774C>T, p.Pro925Leu (NM_001283010.1); c.3443C>T, p.Pro1148Leu (NM_016434.4); c.3515C>T, p.Pro1172Leu (NM_032957.5); short protein forms P1172L, P1148L, P925L.
Identifiers: ClinVar variation 4629513 (VCV004629513.1).

ClinVar aggregate classification (germline): Uncertain significance (1 of 4 stars; one submission).

Conditions:
Inborn genetic diseases. Identifiers: MedGen C0950123, MeSH D030342.

Submission:

Ambry Genetics
Classification: Uncertain significance for Inborn genetic diseases. Last evaluated: 2025-09-25. Review status: criteria provided, single submitter. Criteria: Ambry Variant Classification Scheme 2023. Collection method: clinical testing. Allele origin: germline.
Comment: The p.P1148L variant (also known as c.3443C>T), located in coding exon 32 of the RTEL1 gene, results from a C to T substitution at nucleotide position 3443. The proline at codon 1148 is replaced by leucine, an amino acid with similar properties. This amino acid position is conserved. In addition, this alteration is predicted to be tolerated by in silico analysis. Based on the available evidence, the clinical significance of this variant remains unclear.